The following is an entry in ClinVar:

ClinVar aggregate classification (germline): Uncertain significance (1 of 4 stars; one submission).

Conditions:
LAMA2-related muscular dystrophy (LAMA2-RD). Also called: Laminin alpha 2-related dystrophy. Identifiers: MedGen C5679788, MONDO:0100228.

Allele frequency attached by ClinVar (database versions not stated): gnomAD 0.00001; gnomAD exomes 0.00002; ExAC 0.00004; ESP Exome Variant Server 0.00008.
gnomAD v4.1: 36 of 1,613,962 alleles (0.0022%); highest among the groups gnomAD compares: Non-Finnish European, 0.0028%; no homozygotes.

Submission:

Labcorp Genetics (formerly Invitae), Labcorp
Classification: Uncertain significance for LAMA2-related muscular dystrophy. Last evaluated: 2022-06-19. Review status: criteria provided, single submitter. Criteria: Invitae Variant Classification Sherloc (09022015). Collection method: clinical testing. Allele origin: germline.
Comment: This sequence change replaces glycine, which is neutral and non-polar, with arginine, which is basic and polar, at codon 75 of the LAMA2 protein (p.Gly75Arg). This variant is present in population databases (rs368766845, gnomAD 0.005%). This variant has not been reported in the literature in individuals affected with LAMA2-related conditions. Advanced modeling of protein sequence and biophysical properties (such as structural, functional, and spatial information, amino acid conservation, physicochemical variation, residue mobility, and thermodynamic stability) performed at Invitae indicates that this missense variant is not expected to disrupt LAMA2 protein function. Algorithms developed to predict the effect of sequence changes on RNA splicing suggest that this variant may create or strengthen a splice site. In summary, the available evidence is currently insufficient to determine the role of this variant in disease. Therefore, it has been classified as a Variant of Uncertain Significance.

NM_000426.4(LAMA2):c.223G>A (p.Gly75Arg)

Gene: LAMA2 (laminin subunit alpha 2; plus strand). Cytogenetic location: 6q22.33.
Variant type: single nucleotide variant.
Coding change: c.223G>A on transcript NM_000426.4 (MANE Select); coding-DNA position 223, G replaced by A.
Protein change: p.Gly75Arg; replaces glycine 75 with arginine.
Molecular consequence: missense variant.
Genome position (GRCh38, 1-based): chr6:129,050,028, G>A. VCF-style: chr6-129050028-G-A. GRCh37 (hg19) VCF-style: chr6-129371173-G-A.
Other names: c.223G>A, p.Gly75Arg (NM_001079823.2); short protein forms G75R.
Identifiers: ClinVar variation 2050322 (VCV002050322.1), dbSNP rs368766845, ClinGen allele CA3992248.